The following is an entry in ClinVar:

NM_001130987.2(DYSF):c.3898-4C>G

Gene: DYSF (dysferlin; plus strand). Cytogenetic location: 2p13.2.
Variant type: single nucleotide variant.
Coding change: c.3898-4C>G on transcript NM_001130987.2 (MANE Select); 4 bases into the intron before coding-DNA position 3898, C replaced by G.
Molecular consequence: intron variant.
Genome position (GRCh38, 1-based): chr2:71,601,495, C>G. VCF-style: chr2-71601495-C-G. GRCh37 (hg19) VCF-style: chr2-71828625-C-G.
Other names: c.3937-4C>G (NM_001130979.2); c.3895-4C>G (NM_001130981.2, NM_001130980.2); c.3844-4C>G (NM_001130978.2, NM_003494.4); c.3802-4C>G (NM_001130977.2, NM_001130976.2); c.3940-4C>G (NM_001130982.2); c.3898-4C>G (NM_001130985.2); c.3847-4C>G (NM_001130983.2, NM_001130455.2); c.3805-4C>G (NM_001130984.2, NM_001130986.2).
Identifiers: ClinVar variation 291062 (VCV000291062.24), dbSNP rs555206040, ClinGen allele CA1706771.

ClinVar aggregate classification (germline): Likely benign. Review status: reviewed by expert panel (3 of 4 stars). 6 submissions from 6 submitters: Likely benign (1). 5 of the submissions do not count toward it. Last evaluated 2025-01-09.

Conditions:
Autosomal recessive limb-girdle muscular dystrophy type 2B (LGMDR2). Also called: MUSCULAR DYSTROPHY, LIMB-GIRDLE, TYPE 3; MUSCULAR DYSTROPHY, LIMB-GIRDLE, AUTOSOMAL RECESSIVE 2; Limb-Girdle Muscular Dystrophy Type 2B (LGMD2B); Limb-girdle muscular dystrophy, type 2B. Identifiers: Orphanet 268, MedGen C1850889, MONDO:0009676, OMIM 253601.
Autosomal recessive limb-girdle muscular dystrophy. Identifiers: Orphanet 102015, MedGen C2931907, MONDO:0015152.
Neuromuscular disease caused by qualitative or quantitative defects of dysferlin. Also called: Qualitative or quantitative defects of dysferlin; Dysferlinopathy. Identifiers: Orphanet 207073, MedGen C2931687, MONDO:0016145.

Allele frequency attached by ClinVar (database versions not stated): gnomAD 0.00001 and 0.00009; TOPMed 0.00003; gnomAD exomes 0.00015 and 0.00032; 1000 Genomes Project 30x 0.00016; 1000 Genomes Project 0.00020; ExAC 0.00040.
gnomAD v4.1: 230 of 1,614,208 alleles (0.014%); highest among the groups gnomAD compares: South Asian, 0.22%; 7 homozygotes.

Submissions (6):

ClinGen Limb Girdle Muscular Dystrophy Variant Curation Expert Panel, ClinGen
Classification: Likely benign for Autosomal recessive limb-girdle muscular dystrophy. Last evaluated: 2025-01-09. Review status: reviewed by expert panel. Criteria: ClinGen LGMD VCEP ACMG Specifications DYSF V1.0.0. Collection method: curation. Allele origin: germline. Inheritance: Autosomal recessive inheritance.
Comment: The NM_003494.4: c.38844-4C>G variant in DYSF, which is also known as NM_001130987.2: c.3898-4C>G, is an intronic variant located in intron 34 of 54. The filtering allele frequency for this variant is 0.001881 for the South Asian population in gnomAD v4.1.0 (the lower threshold of the 95% CI of 184/86258 exome chromosomes), which is greater than the ClinGen LGMD VCEP threshold of 0.001 for BS1, and therefore meets this criterion (BS1). While this variant is located in a splice region (+7/-21) (BP7 not met), the SpliceAI score is 0.03, which is less than the LGMD VCEP threshold of 0.05 (BP4). This variant appears to have been reported in an individual undergoing genetic testing for muscular dystrophy, but only as a single hit (LOVD DYSF_001370). In summary, this variant meets the criteria to be classified as Likely Benign for autosomal recessive limb girdle muscular dystrophy based on the ACMG/AMP criteria applied, as specified by the LGMD VCEP (LGMD VCEP specifications version 1.0.0; 01/09/2025): BS1, BP4.

Labcorp Genetics (formerly Invitae), Labcorp
Classification: Benign for Neuromuscular disease caused by qualitative or quantitative defects of dysferlin. Last evaluated: 2025-09-05. Review status: criteria provided, single submitter. Criteria: Invitae Variant Classification Sherloc (09022015). Collection method: clinical testing. Allele origin: germline. Not counted in ClinVar's aggregate classification.

Blueprint Genetics
Classification: Likely benign. Last evaluated: 2023-03-16. Review status: criteria provided, single submitter. Criteria: ACMG Guidelines, 2015. Collection method: clinical testing. Allele origin: germline. Not counted in ClinVar's aggregate classification.

Illumina Laboratory Services, Illumina
Classification: Uncertain significance for Qualitative or quantitative defects of dysferlin. Last evaluated: 2018-01-13. Review status: criteria provided, single submitter. Criteria: ICSL Variant Classification Criteria 13 December 2019. Collection method: clinical testing. Allele origin: germline. Not counted in ClinVar's aggregate classification.

Eurofins Ntd Llc (ga)
Classification: Uncertain significance. Last evaluated: 2016-09-19. Review status: criteria provided, single submitter. Criteria: EGL Classification Definitions 2015. Collection method: clinical testing. Allele origin: germline. Observed: 1 variant allele, 1 heterozygote. Not counted in ClinVar's aggregate classification.

Natera, Inc.
Classification: Uncertain significance for Limb-girdle muscular dystrophy type 2B. Last evaluated: 2020-01-24. Review status: no assertion criteria provided. Collection method: clinical testing. Allele origin: germline. Not counted in ClinVar's aggregate classification.